The following is an entry in ClinVar:

NM_001557.4(CXCR2):c.181C>T (p.Leu61=)

Gene: CXCR2 (C-X-C motif chemokine receptor 2; plus strand). Cytogenetic location: 2q35.
Variant type: single nucleotide variant.
Coding change: c.181C>T on transcript NM_001557.4 (MANE Select); coding-DNA position 181, C replaced by T.
Protein change: p.Leu61=; no amino-acid change (leucine 61 retained).
Molecular consequence: synonymous variant.
Genome position (GRCh38, 1-based): chr2:218,134,982, C>T. VCF-style: chr2-218134982-C-T. GRCh37 (hg19) VCF-style: chr2-218999705-C-T.
Other names: p.Leu61=; c.181C>T, p.Leu61= (NM_001168298.2); c.181C>T (NM_001168298.1).
Identifiers: ClinVar variation 1165956 (VCV001165956.35), dbSNP rs11574748, ClinGen allele CA2101656.

ClinVar aggregate classification (germline): Benign/Likely benign. Review status: criteria provided, multiple submitters, no conflicts (2 of 4 stars). 5 submissions from 5 submitters: Benign (1); Likely benign (3). 1 of the submissions does not count toward it. Last evaluated 2026-02-01.

Conditions:
CXCR2-related disorder. Also called: CXCR2-related condition.

Allele frequency attached by ClinVar (database versions not stated): 1000 Genomes Project 30x 0.00031; 1000 Genomes Project 0.00040; TOPMed 0.00096; gnomAD 0.00113 and 0.00117; ESP Exome Variant Server 0.00131; gnomAD exomes 0.00154 and 0.00187; ExAC 0.00189.
gnomAD v4.1: 2,876 of 1,614,180 alleles (0.18%); highest among the groups gnomAD compares: Non-Finnish European, 0.23%; 5 homozygotes.

Submissions (5):

Labcorp Genetics (formerly Invitae), Labcorp
Classification: Benign. Last evaluated: 2026-02-01. Review status: criteria provided, single submitter. Criteria: Invitae Variant Classification Sherloc (09022015). Collection method: clinical testing. Allele origin: germline.

Mayo Clinic Laboratories, Mayo Clinic
Classification: Likely benign. Last evaluated: 2025-04-09. Review status: criteria provided, single submitter. Criteria: ACMG Guidelines, 2015. Collection method: clinical testing. Allele origin: germline. Observed: 2 variant alleles.
Comment: BS1, BP4, BP7

Blueprint Genetics
Classification: Likely benign. Last evaluated: 2024-09-12. Review status: criteria provided, single submitter. Criteria: ACMG Guidelines, 2015. Collection method: clinical testing. Allele origin: germline.

CeGaT Center for Human Genetics Tuebingen
Classification: Likely benign. Last evaluated: 2022-04-01. Review status: criteria provided, single submitter. Criteria: CeGaT Center For Human Genetics Tuebingen Variant Classification Criteria Version 2. Collection method: clinical testing. Allele origin: germline. Affected: yes. Observed: 1 variant allele.
Comment: CXCR2: BP4, BS2

PreventionGenetics, part of Exact Sciences
Classification: Likely benign for CXCR2-related condition. Last evaluated: 2023-07-31. Review status: no assertion criteria provided. Collection method: clinical testing. Allele origin: germline. Not counted in ClinVar's aggregate classification.
Comment: This variant is classified as likely benign based on ACMG/AMP sequence variant interpretation guidelines (Richards et al. 2015 PMID: 25741868, with internal and published modifications).